The following is an entry in ClinVar:

NM_002863.5(PYGL):c.93T>C (p.Ser31=)

Gene: PYGL (glycogen phosphorylase L; minus strand). Cytogenetic location: 14q22.1.
Variant type: single nucleotide variant.
Coding change: c.93T>C on transcript NM_002863.5 (MANE Select); coding-DNA position 93, T replaced by C.
Protein change: p.Ser31=; no amino-acid change (serine 31 retained).
Molecular consequence: synonymous variant.
Genome position (GRCh38, 1-based): chr14:50,944,311, A>G on the plus strand (T>C on the coding strand, the complement: PYGL is on the minus strand). VCF-style: chr14-50944311-A-G. GRCh37 (hg19) VCF-style: chr14-51411029-A-G.
Other names: c.93T>C, p.Ser31= (NM_001163940.2).
Identifiers: ClinVar variation 258849 (VCV000258849.24), dbSNP rs17123244, ClinGen allele CA7183909.
Genomic context (GRCh38, chr14:50,944,311, plus strand): 5'-GTCGCGGGTGGTGGCCACGTTGCGGTCCTTGACCAGCGTGAAGTGCAGGTGCCGGTTGAA[A>G]CTCTTCTTCAGCTCTGCCACGTTCTCCACGCCCACGATGCCGCGGATGCTGATCTGCCGC-3'
Protein context (NP_002854.3, residues 21-41): GVENVAELKK[Ser31=]FNRHLHFTLV

ClinVar aggregate classification (germline): Benign. Review status: criteria provided, multiple submitters, no conflicts (2 of 4 stars). 8 submissions from 8 submitters: Benign (7). 1 of the submissions does not count toward it. Last evaluated 2026-01-31.

Conditions:
Glycogen storage disease, type VI (GSD6). Also called: Glycogen storage disease type 6; Hepatic glycogen phosphorylase deficiency; HERS DISEASE; PHOSPHORYLASE DEFICIENCY GLYCOGEN-STORAGE DISEASE OF LIVER; Glycogen storage disease type 6, due to phosphorylation; GSD VI. Identifiers: Orphanet 369, MedGen C0017925, MONDO:0009294, OMIM 232700.

Allele frequency attached by ClinVar (database versions not stated): ESP Exome Variant Server 0.04137; gnomAD exomes 0.04598 and 0.05221; gnomAD 0.04608 and 0.04786; TOPMed 0.05058; ExAC 0.05165; 1000 Genomes Project 0.06490; 1000 Genomes Project 30x 0.06683.
gnomAD v4.1: 74,545 of 1,612,674 alleles (4.6%); highest among the groups gnomAD compares: East Asian, 12%; 2,230 homozygotes.

Submissions (8):

Labcorp Genetics (formerly Invitae), Labcorp
Classification: Benign for Glycogen storage disease, type VI. Last evaluated: 2026-01-31. Review status: criteria provided, single submitter. Criteria: Invitae Variant Classification Sherloc (09022015). Collection method: clinical testing. Allele origin: germline.

Genome-Nilou Lab
Classification: Benign for Glycogen storage disease, type VI. Last evaluated: 2021-11-07. Review status: criteria provided, single submitter. Criteria: ACMG Guidelines, 2015. Collection method: clinical testing. Allele origin: germline. Affected: no.

GeneDx
Classification: Benign. Last evaluated: 2021-05-05. Review status: criteria provided, single submitter. Criteria: GeneDx Variant Classification Process June 2021. Collection method: clinical testing. Allele origin: germline. Affected: yes.

Illumina Laboratory Services, Illumina
Classification: Benign for Glycogen storage disease, type VI. Last evaluated: 2018-01-13. Review status: criteria provided, single submitter. Criteria: ICSL Variant Classification Criteria 13 December 2019. Collection method: clinical testing. Allele origin: germline.
Comment: This variant was observed in the ICSL laboratory as part of a predisposition screen in an ostensibly healthy population. It had not been previously curated by ICSL or reported in the Human Gene Mutation Database (HGMD: prior to June 1st, 2018), and was therefore a candidate for classification through an automated scoring system. Utilizing variant allele frequency, disease prevalence and penetrance estimates, and inheritance mode, an automated score was calculated to assess if this variant is too frequent to cause the disease. Based on the score and internal cut-off values, a variant classified as benign is not then subjected to further curation. The score for this variant resulted in a classification of benign for this disease.

Eurofins Ntd Llc (ga)
Classification: Benign. Last evaluated: 2017-03-13. Review status: criteria provided, single submitter. Criteria: EGL Classification Definitions 2015. Collection method: clinical testing. Allele origin: germline. Observed: 1 variant allele, 1 heterozygote.

Breakthrough Genomics
Classification: Benign. Review status: criteria provided, single submitter. Criteria: ACMG Guidelines, 2015. Collection method: not provided. Allele origin: germline. Inheritance: Autosomal recessive inheritance. Affected: yes.

PreventionGenetics, part of Exact Sciences
Classification: Benign. Review status: criteria provided, single submitter. Criteria: ACMG Guidelines, 2015. Collection method: clinical testing. Allele origin: germline.

Mayo Clinic Laboratories, Mayo Clinic
Classification: Benign. Last evaluated: 2017-04-24. Review status: no assertion criteria provided. Collection method: clinical testing. Allele origin: unknown. Not counted in ClinVar's aggregate classification.